The following is an entry in ClinVar:

NC_000017.11:g.(?_43095840)_(43106539_?)del

Gene: BRCA1 (BRCA1 DNA repair associated; minus strand). Cytogenetic location: 17q21.31.
Variant type: Deletion.
Identifiers: ClinVar variation 531562 (VCV000531562.1).

ClinVar aggregate classification (germline): Pathogenic (1 of 4 stars; one submission).

Conditions:
Hereditary breast ovarian cancer syndrome. Also called: Hereditary breast and ovarian cancer syndrome (HBOC); BRCA1- and BRCA2-Associated Hereditary Breast and Ovarian Cancer; Hereditary breast and ovarian cancer syndrome; Breast and ovarian cancer; Hereditary breast and ovarian cancer; Hereditary breast and/or ovarian cancer syndrome. Identifiers: Orphanet 145, MedGen C0677776, MeSH D061325, MONDO:0003582. Disease mechanism: loss of function.

Submission:

Labcorp Genetics (formerly Invitae), Labcorp
Classification: Pathogenic for Hereditary breast ovarian cancer syndrome. Last evaluated: 2017-11-09. Review status: criteria provided, single submitter. Criteria: Invitae Variant Classification Sherloc (09022015). Collection method: clinical testing. Allele origin: germline.
Comment: This variant is an out-of-frame deletion of the genomic region encompassing exons 4-9 of the BRCA1 gene. This is expected to create a premature translational stop signal and result in an absent or disrupted protein product. This variant has been reported in an individual affected with breast and/or ovarian cancer (PMID: 18783588). This variant is also known as deletion of exons 5-10 in the literature, due to alternative exon nomenclature. ClinVar contains an entry for this variant (Variation ID: 267506) Loss-of-function variants in BRCA1 are known to be pathogenic (PMID: 20104584). For these reasons, this variant has been classified as Pathogenic.

Literature cited by the submitters: PubMed 18783588.